The following is an entry in ClinVar:

NM_024915.4(GRHL2):c.1397C>T (p.Thr466Ile)

Gene: GRHL2 (grainyhead like transcription factor 2; plus strand). Cytogenetic location: 8q22.3.
Variant type: single nucleotide variant.
Coding change: c.1397C>T on transcript NM_024915.4 (MANE Select); coding-DNA position 1397, C replaced by T.
Protein change: p.Thr466Ile; replaces threonine 466 with isoleucine.
Molecular consequence: missense variant.
Genome position (GRCh38, 1-based): chr8:101,632,277, C>T. VCF-style: chr8-101632277-C-T. GRCh37 (hg19) VCF-style: chr8-102644505-C-T.
Other names: c.1349C>T, p.Thr450Ile (NM_001330593.2, NM_001440448.1); c.1397C>T, p.Thr466Ile (NM_001440447.1); short protein forms T450I, T466I.
Identifiers: ClinVar variation 4621101 (VCV004621101.2).

ClinVar aggregate classification (germline): Uncertain significance. Review status: criteria provided, multiple submitters, no conflicts (2 of 4 stars). 2 submissions from 2 submitters: Uncertain significance (2). Last evaluated 2025-12-23.

Conditions:
GRHL2-related disorder. Also called: GRHL2-related disorders; GRHL2-related condition.
Inborn genetic diseases. Identifiers: MedGen C0950123, MeSH D030342.

gnomAD v4.1: 44 of 1,613,974 alleles (0.0027%); highest among the groups gnomAD compares: South Asian, 0.046%; 2 homozygotes.

Submissions (2):

PreventionGenetics, part of Exact Sciences
Classification: Uncertain significance for GRHL2-related condition. Last evaluated: 2025-12-23. Review status: criteria provided, single submitter. Criteria: ACMG Guidelines, 2015. Collection method: clinical testing. Allele origin: germline.
Comment: The GRHL2 c.1397C>T variant is predicted to result in the amino acid substitution p.Thr466Ile. To our knowledge, this variant has not been reported in the literature. This variant is reported in 0.036% of alleles in individuals of South Asian descent in gnomAD. Although we suspect that this variant may be benign, at this time, the clinical significance of this variant is uncertain due to the absence of conclusive functional and genetic evidence.

Ambry Genetics
Classification: Uncertain significance for Inborn genetic diseases. Last evaluated: 2025-09-22. Review status: criteria provided, single submitter. Criteria: Ambry Variant Classification Scheme 2023. Collection method: clinical testing. Allele origin: germline.